The following is an entry in ClinVar:

NM_139343.3(BIN1):c.543C>T (p.Ala181=)

Gene: BIN1 (bridging integrator 1; minus strand). Cytogenetic location: 2q14.3.
Variant type: single nucleotide variant.
Coding change: c.543C>T on transcript NM_139343.3 (MANE Select); coding-DNA position 543, C replaced by T.
Protein change: p.Ala181=; no amino-acid change (alanine 181 retained).
Molecular consequence: synonymous variant. On other transcripts: intron variant (10).
Genome position (GRCh38, 1-based): chr2:127,068,232, G>A on the plus strand (C>T on the coding strand, the complement: BIN1 is on the minus strand). VCF-style: chr2-127068232-G-A. GRCh37 (hg19) VCF-style: chr2-127825808-G-A.
Other names: c.543C>T, p.Ala181= (NM_001320633.2, NM_001320640.2, NM_139344.3 and 1 more transcripts); c.462C>T, p.Ala154= (NM_001320642.1); c.447+692C>T (NM_001320634.1); c.519+692C>T (NM_139351.3, NM_139350.3, NM_139349.3 and 6 more transcripts).
Identifiers: ClinVar variation 2651326 (VCV002651326.24), dbSNP rs746233851, ClinGen allele CA1857439.

ClinVar aggregate classification (germline): Likely benign (1 of 4 stars; one submission).

Allele frequency attached by ClinVar (database versions not stated): ExAC 0.00001; gnomAD exomes 0.00002.
gnomAD v4.1: 31 of 1,613,438 alleles (0.0019%); highest among the groups gnomAD compares: Non-Finnish European, 0.0025%; no homozygotes.

Submission:

CeGaT Center for Human Genetics Tuebingen
Classification: Likely benign. Last evaluated: 2023-10-01. Review status: criteria provided, single submitter. Criteria: CeGaT Center For Human Genetics Tuebingen Variant Classification Criteria Version 2. Collection method: clinical testing. Allele origin: germline. Affected: yes. Observed: 1 variant allele.
Comment: BIN1: BP4, BP7